The following is an entry in ClinVar:

NM_001164508.2(NEB):c.25_26insCTGGGATTAC (p.Glu9fs)

Gene: NEB (nebulin; minus strand). Cytogenetic location: 2q23.3.
Variant type: Insertion.
Coding change: c.25_26insCTGGGATTAC on transcript NM_001164508.2 (MANE Select); coding-DNA positions 25 to 26, CTGGGATTAC inserted.
Protein change: p.Glu9fs; shifts the reading frame from glutamic acid 9.
Molecular consequence: frameshift variant.
Genome position: GRCh38 VCF-style: chr2-151733131-T-TGTAATCCCAG. GRCh37 (hg19) VCF-style: chr2-152589645-T-TGTAATCCCAG.
Other names: c.25_26insCTGGGATTAC, p.Glu9fs (NM_001164507.2, NM_001271208.2, NM_004543.5); short protein forms E9fs.
Identifiers: ClinVar variation 5011339 (VCV005011339.1).

ClinVar aggregate classification (germline): Pathogenic (1 of 4 stars; one submission).

Conditions:
Nemaline myopathy 2 (NEM2). Also called: Nemaline myopathy 2, autosomal recessive. Identifiers: MedGen C1850569, MONDO:0009725, OMIM 256030.

Submission:

Myriad Genetics, Inc.
Classification: Pathogenic for Nemaline myopathy 2. Last evaluated: 2023-08-13. Review status: criteria provided, single submitter. Criteria: Myriad Autosomal Dominant, Autosomal Recessive and X-Linked Classification Criteria (2023). Collection method: clinical testing. Allele origin: unknown.
Comment: NM_001271208.1(NEB):c.25_26ins10(E9Afs*28) is expected to be pathogenic in the context of NEB-related nemaline myopathy. This variant is predicted to lead to an abnormal or absent protein product due to the creation of a premature termination codon in NEB, a gene where loss-of-function variants are known to be pathogenic. Please note: this variant was assessed in the context of healthy population screening.